The following is an entry in ClinVar:

NM_031443.4(CCM2):c.62del (p.Phe21fs)

Gene: CCM2 (CCM2 scaffold protein; plus strand). Cytogenetic location: 7p13.
Variant type: Deletion.
Coding change: c.62del on transcript NM_031443.4 (MANE Select); coding-DNA position 62, one base deleted (T; older notation c.62delT).
Protein change: p.Phe21fs; shifts the reading frame from phenylalanine 21.
Molecular consequence: frameshift variant. On other transcripts: non-coding transcript variant (1), intron variant (2).
Genome position (GRCh38, 1-based): chr7:45,038,284, T deleted; the last of 2 consecutive T bases (chr7:45,038,283-45,038,284); deleting either gives the same sequence. VCF-style (leftmost placement, unchanged base first): chr7-45038282-AT-A. GRCh37 (hg19) VCF-style: chr7-45077881-AT-A.
Other names: c.125del, p.Phe42fs (NM_001029835.2); c.62del, p.Phe21fs (NM_001167935.2, NM_001363458.2); c.31-25634del (NM_001363459.2, NM_001167934.2); short protein forms F42fs, F21fs.
Identifiers: ClinVar variation 3723625 (VCV003723625.2).

ClinVar aggregate classification (germline): Pathogenic (1 of 4 stars; one submission).

Conditions:
Cerebral cavernous malformation 2. Also called: Familial Cerebral Cavernous Malformation 2. Identifiers: Orphanet 221061, MedGen C1864041, MONDO:0011304, OMIM 603284.

Submission:

Labcorp Genetics (formerly Invitae), Labcorp
Classification: Pathogenic for Cerebral cavernous malformation 2. Last evaluated: 2024-10-23. Review status: criteria provided, single submitter. Criteria: Invitae Variant Classification Sherloc (09022015). Collection method: clinical testing. Allele origin: germline.
Comment: This sequence change creates a premature translational stop signal (p.Phe21Serfs*2) in the CCM2 gene. It is expected to result in an absent or disrupted protein product. Loss-of-function variants in CCM2 are known to be pathogenic (PMID: 18300272, 24689081). This variant is not present in population databases (gnomAD no frequency). This variant has not been reported in the literature in individuals affected with CCM2-related conditions. For these reasons, this variant has been classified as Pathogenic.

Literature cited by the submitters: PubMed 18300272; PubMed 24689081.